The following is an entry in ClinVar:

ClinVar aggregate classification (germline): Likely benign. Review status: criteria provided, multiple submitters, no conflicts (2 of 4 stars). 3 submissions from 3 submitters: Likely benign (2). 1 of the submissions does not count toward it. Last evaluated 2025-05-20.

Conditions:
TAF15-related disorder. Also called: TAF15-related condition.

Allele frequency attached by ClinVar (database versions not stated): ExAC 0.00007; gnomAD 0.00001 and 0.00002.
gnomAD v4.1: 50 of 1,592,720 alleles (0.0031%); highest among the groups gnomAD compares: Admixed American, 0.085%; no homozygotes.

Submissions (3):

Mayo Clinic Laboratories, Mayo Clinic
Classification: Likely benign. Last evaluated: 2025-05-20. Review status: criteria provided, single submitter. Criteria: ACMG Guidelines, 2015. Collection method: clinical testing. Allele origin: germline. Observed: 1 variant allele.
Comment: BP4, BP7

Labcorp Genetics (formerly Invitae), Labcorp
Classification: Likely benign. Last evaluated: 2019-12-31. Review status: criteria provided, single submitter. Criteria: Invitae Variant Classification Sherloc (09022015). Collection method: clinical testing. Allele origin: germline.

PreventionGenetics, part of Exact Sciences
Classification: Likely benign for TAF15-related condition. Last evaluated: 2019-12-18. Review status: no assertion criteria provided. Collection method: clinical testing. Allele origin: germline. Not counted in ClinVar's aggregate classification.
Comment: This variant is classified as likely benign based on ACMG/AMP sequence variant interpretation guidelines (Richards et al. 2015 PMID: 25741868, with internal and published modifications).

NM_139215.3(TAF15):c.1665T>A (p.Gly555=)

Gene: TAF15 (TATA-box binding protein associated factor 15; plus strand). Cytogenetic location: 17q12.
Variant type: single nucleotide variant.
Coding change: c.1665T>A on transcript NM_139215.3 (MANE Select); coding-DNA position 1665, T replaced by A.
Protein change: p.Gly555=; no amino-acid change (glycine 555 retained).
Molecular consequence: synonymous variant.
Genome position (GRCh38, 1-based): chr17:35,844,964, T>A. VCF-style: chr17-35844964-T-A. GRCh37 (hg19) VCF-style: chr17-34171968-T-A.
Other names: p.Gly555=; c.1656T>A, p.Gly552= (NM_003487.4).
Identifiers: ClinVar variation 729819 (VCV000729819.7), dbSNP rs773164507, ClinGen allele CA290041738.